The following is an entry in ClinVar:

ClinVar aggregate classification (germline): Uncertain significance. Review status: criteria provided, multiple submitters, no conflicts (2 of 4 stars). 5 submissions from 5 submitters: Uncertain significance (5). Last evaluated 2025-09-12.

Conditions:
Arrhythmogenic right ventricular dysplasia 11. Also called: Arrhythmogenic Right Ventricular Dysplasia/Cardiomyopathy11; ARRHYTHMOGENIC RIGHT VENTRICULAR DYSPLASIA, FAMILIAL, 11; Arrhythmogenic right ventricular dysplasia 11 with mild palmoplantar keratoderma and woolly hair. Identifiers: MedGen C1864850, MONDO:0012506, OMIM 610476.
Cardiovascular phenotype. Identifiers: MedGen CN230736.
Familial isolated arrhythmogenic right ventricular dysplasia. Identifiers: Orphanet 217656, MedGen C4274968, MONDO:0016342.
Cardiomyopathy (CMYO). Also called: Cardiomyopathies. Identifiers: Orphanet 167848, MedGen C0878544, MONDO:0004994, HP:0001638. Inheritance: Various modes of inheritance.

Allele frequency attached by ClinVar (database versions not stated): gnomAD exomes below 0.00001.
gnomAD v4.1: 9 of 1,614,056 alleles (0.00056%); highest among the groups gnomAD compares: Non-Finnish European, 0.00076%; no homozygotes.

Submissions (5):

Color Diagnostics, LLC DBA Color Health
Classification: Uncertain significance for Cardiomyopathy. Last evaluated: 2025-09-12. Review status: criteria provided, single submitter. Criteria: ACMG Guidelines, 2015. Collection method: clinical testing. Allele origin: germline.
Comment: This missense variant replaces alanine with proline at codon 267 of the DSC2 protein. Computational prediction is inconclusive regarding the impact of this variant on protein structure and function. To our knowledge, functional studies have not been reported for this variant. This variant has been reported in an individual with dilated cardiomyopathy (PMID: 27532257). This variant has been identified in 1/251240 chromosomes in the general population by the Genome Aggregation Database (gnomAD). The available evidence is insufficient to determine the role of this variant in disease conclusively. Therefore, this variant is classified as a Variant of Uncertain Significance.

Labcorp Genetics (formerly Invitae), Labcorp
Classification: Uncertain significance for Arrhythmogenic right ventricular dysplasia 11. Last evaluated: 2025-04-23. Review status: criteria provided, single submitter. Criteria: Invitae Variant Classification Sherloc (09022015). Collection method: clinical testing. Allele origin: germline.
Comment: This sequence change replaces alanine, which is neutral and non-polar, with proline, which is neutral and non-polar, at codon 267 of the DSC2 protein (p.Ala267Pro). This variant is present in population databases (no rsID available, gnomAD 0.0009%). This missense change has been observed in individual(s) with dilated cardiomyopathy (PMID: 27532257). ClinVar contains an entry for this variant (Variation ID: 504982). Invitae Evidence Modeling of protein sequence and biophysical properties (such as structural, functional, and spatial information, amino acid conservation, physicochemical variation, residue mobility, and thermodynamic stability) indicates that this missense variant is expected to disrupt DSC2 protein function with a positive predictive value of 80%. In summary, the available evidence is currently insufficient to determine the role of this variant in disease. Therefore, it has been classified as a Variant of Uncertain Significance.

Ambry Genetics
Classification: Uncertain significance for Cardiovascular phenotype. Last evaluated: 2024-12-03. Review status: criteria provided, single submitter. Criteria: Ambry Variant Classification Scheme 2023. Collection method: clinical testing. Allele origin: germline.
Comment: The p.A267P variant (also known as c.799G>C), located in coding exon 7 of the DSC2 gene, results from a G to C substitution at nucleotide position 799. The alanine at codon 267 is replaced by proline, an amino acid with highly similar properties. This variant was reported in individual(s) from dilated cardiomyopathy cohorts (Walsh R et al. Genet Med, 2017 Feb;19:192-203; Mazzarotto F et al. Circulation, 2020 Feb;141:387-398). This amino acid position is highly conserved in available vertebrate species. In addition, this alteration is predicted to be deleterious by in silico analysis. Based on the available evidence, the clinical significance of this variant remains unclear.

All of Us Research Program, National Institutes of Health
Classification: Uncertain significance for Familial isolated arrhythmogenic right ventricular dysplasia. Last evaluated: 2023-06-08. Review status: criteria provided, single submitter. Criteria: ACMG Guidelines, 2015. Collection method: clinical testing. Allele origin: germline. Inheritance: Autosomal dominant inheritance. Observed: 1 variant allele, 1 heterozygote.
Comment: This missense variant replaces alanine with proline at codon 267 of the DSC2 protein. Computational prediction is inconclusive regarding the impact of this variant on protein structure and function (internally defined REVEL score threshold 0.5 < inconclusive < 0.7, PMID: 27666373). To our knowledge, functional studies have not been reported for this variant. This variant has been reported in a dilated cardiomyopathy (PMID: 27532257). This variant has been identified in 1/251240 chromosomes in the general population by the Genome Aggregation Database (gnomAD). The available evidence is insufficient to determine the role of this variant in disease conclusively. Therefore, this variant is classified as a Variant of Uncertain Significance.

This study involves interpretation of variants in research participants for the purpose of population health screening. Participant phenotype was not available at the time of variant classification. Additional details can be found in publication PMID: 35346344, PMCID: PMC8962531

Laboratory for Molecular Medicine, Mass General Brigham Personalized Medicine
Classification: Uncertain significance. Last evaluated: 2016-04-26. Review status: criteria provided, single submitter. Criteria: LMM Criteria. Collection method: clinical testing. Allele origin: germline. Observed: 2 variant alleles.
Comment: The p.Ala267Pro variant in DSC2 has not been previously reported in individuals with cardiomyopathy and is absent from large population studies. Computational p rediction tools and conservation analysis suggest that this variant may impact t he protein, though this information is not predictive enough to determine pathog enicity. In summary, the clinical significance of the p.Ala267Pro variant is unc ertain.

Literature cited by the submitters: PubMed 27532257 (cited by 4 submitters); PubMed 31983221 (cited by Ambry Genetics).

NM_024422.6(DSC2):c.799G>C (p.Ala267Pro)

Gene: DSC2 (desmocollin 2; minus strand). Cytogenetic location: 18q12.1.
Variant type: single nucleotide variant.
Coding change: c.799G>C on transcript NM_024422.6 (MANE Select); coding-DNA position 799, G replaced by C.
Protein change: p.Ala267Pro; replaces alanine 267 with proline.
Molecular consequence: missense variant.
Genome position (GRCh38, 1-based): chr18:31,086,719, C>G on the plus strand (G>C on the coding strand, the complement: DSC2 is on the minus strand). VCF-style: chr18-31086719-C-G. GRCh37 (hg19) VCF-style: chr18-28666682-C-G.
Other names: c.799G>C, p.Ala267Pro (NM_004949.5); short protein forms A267P.
Identifiers: ClinVar variation 504982 (VCV000504982.16), dbSNP rs966660258, ClinGen allele CA297639706.